The following is an entry in ClinVar:

NM_000240.4(MAOA):c.298T>C (p.Tyr100His)

Gene: MAOA (monoamine oxidase A; plus strand). Cytogenetic location: Xp11.3.
Variant type: single nucleotide variant.
Coding change: c.298T>C on transcript NM_000240.4 (MANE Select); coding-DNA position 298, T replaced by C.
Protein change: p.Tyr100His; replaces tyrosine 100 with histidine.
Molecular consequence: missense variant. On other transcripts: 5 prime UTR variant (1).
Genome position (GRCh38, 1-based): chrX:43,693,420, T>C. VCF-style: chrX-43693420-T-C. GRCh37 (hg19) VCF-style: chrX-43552667-T-C.
Other names: c.-102T>C (NM_001270458.2); short protein forms Y100H.
Identifiers: ClinVar variation 4051013 (VCV004051013.2).

ClinVar aggregate classification (germline): Conflicting classifications of pathogenicity. Review status: criteria provided, conflicting classifications (1 of 4 stars). 2 submissions from 2 submitters: Uncertain significance (1); Likely benign (1). Last evaluated 2025-08-20.

Conditions:
Brunner syndrome (BRNRS). Identifiers: Orphanet 3057, MedGen C0796275, MONDO:0010379, OMIM 300615.
Inborn genetic diseases. Identifiers: MedGen C0950123, MeSH D030342.

gnomAD v4.1: 1 of 1,208,965 alleles (0.000083%); highest among the groups gnomAD compares: East Asian, 0.003%; no homozygotes.

Submissions (2):

Labcorp Genetics (formerly Invitae), Labcorp
Classification: Uncertain significance for Brunner syndrome. Last evaluated: 2025-08-20. Review status: criteria provided, single submitter. Criteria: Invitae Variant Classification Sherloc (09022015). Collection method: clinical testing. Allele origin: germline.
Comment: This sequence change replaces tyrosine, which is neutral and polar, with histidine, which is basic and polar, at codon 100 of the MAOA protein (p.Tyr100His). This variant is present in population databases (no rsID available, gnomAD 0.02%). This variant has not been reported in the literature in individuals affected with MAOA-related conditions. ClinVar contains an entry for this variant (Variation ID: 4051013). Invitae Evidence Modeling of protein sequence and biophysical properties (such as structural, functional, and spatial information, amino acid conservation, physicochemical variation, residue mobility, and thermodynamic stability) indicates that this missense variant is not expected to disrupt MAOA protein function with a negative predictive value of 80%. In summary, the available evidence is currently insufficient to determine the role of this variant in disease. Therefore, it has been classified as a Variant of Uncertain Significance.

Ambry Genetics
Classification: Likely benign for Inborn genetic diseases. Last evaluated: 2025-06-03. Review status: criteria provided, single submitter. Criteria: Ambry Variant Classification Scheme 2023. Collection method: clinical testing. Allele origin: germline.